The following is an entry in ClinVar:

ClinVar aggregate classification (germline): Uncertain significance. Review status: criteria provided, multiple submitters, no conflicts (2 of 4 stars). 2 submissions from 2 submitters: Uncertain significance (2). Last evaluated 2025-12-08.

Conditions:
NEBL-related disorder. Also called: NEBL-related condition.
Primary dilated cardiomyopathy (DCM). Also called: Dilated Cardiomyopathy. Identifiers: Orphanet 217604, MedGen C0007193, MeSH D002311, MONDO:0005021, HP:0001644. Inheritance: Various modes of inheritance.

Allele frequency attached by ClinVar (database versions not stated): TOPMed 0.00008; ExAC 0.00002; gnomAD exomes 0.00003; gnomAD 0.00005 and 0.00006.
gnomAD v4.1: 67 of 1,594,096 alleles (0.0042%); highest among the groups gnomAD compares: Non-Finnish European, 0.0057%; no homozygotes.

Submissions (2):

Labcorp Genetics (formerly Invitae), Labcorp
Classification: Uncertain significance for Primary dilated cardiomyopathy. Last evaluated: 2025-12-08. Review status: criteria provided, single submitter. Criteria: Invitae Variant Classification Sherloc (09022015). Collection method: clinical testing. Allele origin: germline.
Comment: This sequence change replaces serine, which is neutral and polar, with phenylalanine, which is neutral and non-polar, at codon 572 of the NEBL protein (p.Ser572Phe). This variant is present in population databases (rs778833975, gnomAD 0.005%). This variant has not been reported in the literature in individuals affected with NEBL-related conditions. ClinVar contains an entry for this variant (Variation ID: 948596). An algorithm developed to predict the effect of missense changes on protein structure and function (PolyPhen-2) suggests that this variant is likely to be disruptive. In summary, the available evidence is currently insufficient to determine the role of this variant in disease. Therefore, it has been classified as a Variant of Uncertain Significance.

PreventionGenetics, part of Exact Sciences
Classification: Uncertain significance for NEBL-related condition. Last evaluated: 2025-09-23. Review status: criteria provided, single submitter. Criteria: ACMG Guidelines, 2015. Collection method: clinical testing. Allele origin: germline.
Comment: The NEBL c.1715C>T variant is predicted to result in the amino acid substitution p.Ser572Phe. To our knowledge, this variant has not been reported in the literature. This variant is reported in 0.0062% of alleles in individuals of European (Non-Finnish) descent in gnomAD. At this time, the clinical significance of this variant is uncertain due to the absence of conclusive functional and genetic evidence.

NM_006393.3(NEBL):c.1715C>T (p.Ser572Phe)

Gene: NEBL (nebulette; minus strand). Cytogenetic location: 10p12.31.
Variant type: single nucleotide variant.
Coding change: c.1715C>T on transcript NM_006393.3 (MANE Select); coding-DNA position 1715, C replaced by T.
Protein change: p.Ser572Phe; replaces serine 572 with phenylalanine.
Molecular consequence: missense variant. On other transcripts: intron variant (9).
Genome position (GRCh38, 1-based): chr10:20,828,591, G>A on the plus strand (C>T on the coding strand, the complement: NEBL is on the minus strand). VCF-style: chr10-20828591-G-A. GRCh37 (hg19) VCF-style: chr10-21117520-G-A.
Other names: c.250-15651C>T (NM_001377326.1, NM_001377327.1, NM_001377328.1); c.358-15651C>T (NM_213569.2, NM_001173484.2, NM_001377322.1); c.301-15651C>T (NM_001377324.1); c.292-15651C>T (NM_001377325.1); c.310-15651C>T (NM_001377323.1); short protein forms S572F.
Identifiers: ClinVar variation 948596 (VCV000948596.9), dbSNP rs778833975, ClinGen allele CA5432768.